The following is an entry in ClinVar:

NM_003383.5(VLDLR):c.1132T>C (p.Tyr378His)

Gene: VLDLR (very low density lipoprotein receptor; plus strand). Cytogenetic location: 9p24.2.
Variant type: single nucleotide variant.
Coding change: c.1132T>C on transcript NM_003383.5 (MANE Select); coding-DNA position 1132, T replaced by C.
Protein change: p.Tyr378His; replaces tyrosine 378 with histidine.
Molecular consequence: missense variant.
Genome position (GRCh38, 1-based): chr9:2,644,799, T>C. VCF-style: chr9-2644799-T-C. GRCh37 (hg19) VCF-style: chr9-2644799-T-C.
Other names: p.Tyr378His; c.1132T>C, p.Tyr378His (NM_001018056.3); c.1009T>C, p.Tyr337His (NM_001322225.2, NM_001322226.2); short protein forms Y378H, Y337H.
Identifiers: ClinVar variation 212551 (VCV000212551.14), dbSNP rs142885301, ClinGen allele CA209648.

ClinVar aggregate classification (germline): Uncertain significance. Review status: criteria provided, multiple submitters, no conflicts (2 of 4 stars). 5 submissions from 5 submitters: Uncertain significance (5). Last evaluated 2026-06-01.

Conditions:
Cerebellar ataxia, impaired intellectual development, and dysequilibrium syndrome 1. Also called: VLDLR Cerebellar Hypoplasia; Cerebellar hypoplasia and mental retardation with or without quadrupedal locomotion 1; Cerebellar ataxia, intellectual disability, and dysequilibrium syndrome 1; Cerebellar ataxia, mental retardation, and dysequilibrium syndrome 1; CEREBELLAR ATAXIA AND MENTAL RETARDATION WITH OR WITHOUT QUADRUPEDAL LOCOMOTION 1; CEREBELLAR ATAXIA, CONGENITAL, AND MENTAL RETARDATION, AUTOSOMAL RECESSIVE. Identifiers: Orphanet 1766, MedGen C4551552, MONDO:0024542, OMIM 224050.

Allele frequency attached by ClinVar (database versions not stated): ESP Exome Variant Server 0.00015; ExAC 0.00021; gnomAD 0.00021; gnomAD exomes 0.00023 and 0.00040; TOPMed 0.00024.
gnomAD v4.1: 606 of 1,614,094 alleles (0.038%); highest among the groups gnomAD compares: Non-Finnish European, 0.048%; no homozygotes.

Submissions (5):

CeGaT Center for Human Genetics Tuebingen
Classification: Uncertain significance. Last evaluated: 2026-06-01. Review status: criteria provided, single submitter. Criteria: CeGaT Center For Human Genetics Tuebingen Variant Classification Criteria Version 2. Collection method: clinical testing. Allele origin: germline. Affected: yes. Observed: 1 variant allele.
Comment: VLDLR: PM2

GeneDx
Classification: Uncertain significance. Last evaluated: 2024-03-08. Review status: criteria provided, single submitter. Criteria: GeneDx Variant Classification Process June 2021. Collection method: clinical testing. Allele origin: germline. Affected: yes.
Comment: In silico analysis supports that this missense variant has a deleterious effect on protein structure/function; This variant is associated with the following publications: (PMID: 35668055)

Mayo Clinic Laboratories, Mayo Clinic
Classification: Uncertain significance. Last evaluated: 2024-01-26. Review status: criteria provided, single submitter. Criteria: ACMG Guidelines, 2015. Collection method: clinical testing. Allele origin: germline. Observed: 2 variant alleles.
Comment: PP3, PM2

Revvity Omics, Revvity
Classification: Uncertain significance for Cerebellar ataxia, impaired intellectual development, and dysequilibrium syndrome 1. Last evaluated: 2020-03-17. Review status: criteria provided, single submitter. Criteria: ACMG Guidelines, 2015. Collection method: clinical testing. Allele origin: germline.

Genetic Services Laboratory, University of Chicago
Classification: Uncertain significance. Last evaluated: 2015-06-04. Review status: criteria provided, single submitter. Criteria: ACMG Guidelines, 2015. Collection method: clinical testing. Allele origin: germline.